The following is an entry in ClinVar:

ClinVar aggregate classification (germline): Uncertain significance (1 of 4 stars; one submission).

Submission:

GeneDx
Classification: Uncertain significance. Last evaluated: 2024-02-02. Review status: criteria provided, single submitter. Criteria: GeneDx Variant Classification Process June 2021. Collection method: clinical testing. Allele origin: germline. Affected: yes.
Comment: Not observed at significant frequency in large population cohorts (gnomAD); In silico analysis supports that this missense variant has a deleterious effect on protein structure/function; Has not been previously published as pathogenic or benign to our knowledge

NM_001382241.1(TNPO2):c.1145T>C (p.Val382Ala)

Gene: TNPO2 (transportin 2; minus strand). Cytogenetic location: 19p13.13.
Variant type: single nucleotide variant.
Coding change: c.1145T>C on transcript NM_001382241.1 (MANE Select); coding-DNA position 1145, T replaced by C.
Protein change: p.Val382Ala; replaces valine 382 with alanine.
Molecular consequence: missense variant. On other transcripts: non-coding transcript variant (6).
Genome position (GRCh38, 1-based): chr19:12,710,746, A>G on the plus strand (T>C on the coding strand, the complement: TNPO2 is on the minus strand). VCF-style: chr19-12710746-A-G. GRCh37 (hg19) VCF-style: chr19-12821560-A-G.
Other names: c.1145T>C, p.Val382Ala (NM_001136195.2, NM_001136196.2, NM_001382236.1 and 7 more transcripts); short protein forms V382A.
Identifiers: ClinVar variation 3368788 (VCV003368788.1).